The following is an entry in ClinVar:

NM_000038.6(APC):c.2057A>C (p.Asn686Thr)

Gene: APC (APC regulator of Wnt signaling pathway; plus strand). Cytogenetic location: 5q22.2.
Variant type: single nucleotide variant.
Coding change: c.2057A>C on transcript NM_000038.6 (MANE Select); coding-DNA position 2057, A replaced by C.
Protein change: p.Asn686Thr; replaces asparagine 686 with threonine.
Molecular consequence: missense variant. On other transcripts: non-coding transcript variant (2).
Genome position (GRCh38, 1-based): chr5:112,837,651, A>C. VCF-style: chr5-112837651-A-C. GRCh37 (hg19) VCF-style: chr5-112173348-A-C.
Other names: c.2057A>C (NM_000038.5); c.2057A>C, p.Asn686Thr (NM_001127510.3, NM_001354895.2, NM_001407450.1); c.2003A>C, p.Asn668Thr (NM_001127511.3); c.2111A>C, p.Asn704Thr (NM_001354896.2, NM_001407447.1, NM_001407448.1 and 1 more transcripts); c.2087A>C, p.Asn696Thr (NM_001354897.2); c.1982A>C, p.Asn661Thr (NM_001354898.2); c.1973A>C, p.Asn658Thr (NM_001354899.2); c.1934A>C, p.Asn645Thr (NM_001354900.2); and 12 more; short protein forms N302T, N403T, N595T, N679T, N557T, N603T, N627T, N661T.
Identifiers: ClinVar variation 3010115 (VCV003010115.4), dbSNP rs2533393832, ClinGen allele CA16025820.

ClinVar aggregate classification (germline): Uncertain significance. Review status: criteria provided, multiple submitters, no conflicts (2 of 4 stars). 2 submissions from 2 submitters: Uncertain significance (2). Last evaluated 2024-03-08.

Conditions:
Familial adenomatous polyposis 1 (FAP1). Also called: FAMILIAL ADENOMATOUS POLYPOSIS 1, ATTENUATED; POLYPOSIS, ADENOMATOUS INTESTINAL. Identifiers: MedGen C2713442, MONDO:0021056, OMIM 175100. Disease mechanism: loss of function.
Hereditary cancer-predisposing syndrome. Also called: Hereditary Cancer Syndrome; Neoplastic Syndromes, Hereditary; Tumor predisposition; Hereditary neoplastic syndrome. Identifiers: Orphanet 140162, MedGen C0027672, MeSH D009386, MONDO:0015356.

Submissions (2):

Ambry Genetics
Classification: Uncertain significance for Hereditary cancer-predisposing syndrome. Last evaluated: 2024-03-08. Review status: criteria provided, single submitter. Criteria: Ambry Variant Classification Scheme 2023. Collection method: clinical testing. Allele origin: germline.
Comment: The p.N686T variant (also known as c.2057A>C), located in coding exon 15 of the APC gene, results from an A to C substitution at nucleotide position 2057. The asparagine at codon 686 is replaced by threonine, an amino acid with similar properties. This amino acid position is conserved. In addition, in silico predictors for this gene do not accurately predict pathogenicity. Based on the available evidence, the clinical significance of this alteration remains unclear.

Labcorp Genetics (formerly Invitae), Labcorp
Classification: Uncertain significance for Familial adenomatous polyposis 1. Last evaluated: 2023-04-01. Review status: criteria provided, single submitter. Criteria: Invitae Variant Classification Sherloc (09022015). Collection method: clinical testing. Allele origin: germline.
Comment: This sequence change replaces asparagine, which is neutral and polar, with threonine, which is neutral and polar, at codon 686 of the APC protein (p.Asn686Thr). This variant is not present in population databases (gnomAD no frequency). This variant has not been reported in the literature in individuals affected with APC-related conditions. Advanced modeling of protein sequence and biophysical properties (such as structural, functional, and spatial information, amino acid conservation, physicochemical variation, residue mobility, and thermodynamic stability) performed at Invitae indicates that this missense variant is not expected to disrupt APC protein function. In summary, the available evidence is currently insufficient to determine the role of this variant in disease. Therefore, it has been classified as a Variant of Uncertain Significance.